The following is an entry in ClinVar:

ClinVar aggregate classification (germline): Pathogenic (1 of 4 stars; one submission).

Submission:

Labcorp Genetics (formerly Invitae), Labcorp
Classification: Pathogenic. Last evaluated: 2024-02-14. Review status: criteria provided, single submitter. Criteria: Invitae Variant Classification Sherloc (09022015). Collection method: clinical testing. Allele origin: germline.
Comment: This sequence change creates a premature translational stop signal (p.Pro1059Leufs*13) in the ABCB11 gene. It is expected to result in an absent or disrupted protein product. Loss-of-function variants in ABCB11 are known to be pathogenic (PMID: 18395098, 20232290). This variant is not present in population databases (gnomAD no frequency). This variant has not been reported in the literature in individuals affected with ABCB11-related conditions. For these reasons, this variant has been classified as Pathogenic.

Literature cited by the submitters: PubMed 18395098; PubMed 20232290.

NM_003742.4(ABCB11):c.3175_3176insTGCTGGA (p.Pro1059fs)

Gene: ABCB11 (ATP binding cassette subfamily B member 11; minus strand). Cytogenetic location: 2q31.1.
Variant type: Insertion.
Coding change: c.3175_3176insTGCTGGA on transcript NM_003742.4 (MANE Select); coding-DNA positions 3175 to 3176, TGCTGGA inserted.
Protein change: p.Pro1059fs; shifts the reading frame from proline 1059.
Molecular consequence: frameshift variant.
Genome position: GRCh38 VCF-style: chr2-168932414-G-GTCCAGCA. GRCh37 (hg19) VCF-style: chr2-169788924-G-GTCCAGCA.
Other names: short protein forms P1059fs.
Identifiers: ClinVar variation 3678560 (VCV003678560.2).